The following is an entry in ClinVar:

NM_000642.3(AGL):c.2090G>A (p.Gly697Asp)

Gene: AGL (amylo-alpha-1,6-glucosidase and 4-alpha-glucanotransferase; plus strand). Cytogenetic location: 1p21.2.
Variant type: single nucleotide variant.
Coding change: c.2090G>A on transcript NM_000642.3 (MANE Select); coding-DNA position 2090, G replaced by A.
Protein change: p.Gly697Asp; replaces glycine 697 with aspartic acid.
Molecular consequence: missense variant.
Genome position (GRCh38, 1-based): chr1:99,881,380, G>A. VCF-style: chr1-99881380-G-A. GRCh37 (hg19) VCF-style: chr1-100346936-G-A.
Other names: c.2090G>A, p.Gly697Asp (NM_000028.3, NM_000643.3, NM_000644.3 and 2 more transcripts); c.2042G>A, p.Gly681Asp (NM_000646.3); c.1889G>A, p.Gly630Asp (NM_001425327.1); c.1886G>A, p.Gly629Asp (NM_001425328.1, NM_001425329.1); c.1712G>A, p.Gly571Asp (NM_001425332.1); short protein forms G697D, G681D, G571D, G629D, G630D.
Identifiers: ClinVar variation 2066976 (VCV002066976.1), dbSNP rs1327792691, ClinGen allele CA341319067.

ClinVar aggregate classification (germline): Uncertain significance (1 of 4 stars; one submission).

Conditions:
Glycogen storage disease type III (GSD3). Also called: Cori disease; FORBES DISEASE. Identifiers: Orphanet 366, MedGen C0017922, MONDO:0009291, OMIM 232400.

Allele frequency attached by ClinVar (database versions not stated): gnomAD exomes below 0.00001.
gnomAD v4.1: 8 of 1,614,140 alleles (0.0005%); highest among the groups gnomAD compares: Non-Finnish European, 0.00051%; no homozygotes.

Submission:

Labcorp Genetics (formerly Invitae), Labcorp
Classification: Uncertain significance for Glycogen storage disease type III. Last evaluated: 2022-02-11. Review status: criteria provided, single submitter. Criteria: Invitae Variant Classification Sherloc (09022015). Collection method: clinical testing. Allele origin: germline.
Comment: This sequence change replaces glycine, which is neutral and non-polar, with aspartic acid, which is acidic and polar, at codon 697 of the AGL protein (p.Gly697Asp). This variant is present in population databases (no rsID available, gnomAD 0.0009%). This variant has not been reported in the literature in individuals affected with AGL-related conditions. Algorithms developed to predict the effect of missense changes on protein structure and function are either unavailable or do not agree on the potential impact of this missense change (SIFT: "Deleterious"; PolyPhen-2: "Probably Damaging"; Align-GVGD: "Class C0"). In summary, the available evidence is currently insufficient to determine the role of this variant in disease. Therefore, it has been classified as a Variant of Uncertain Significance.